The following is an entry in ClinVar:

ClinVar aggregate classification (germline): Uncertain significance (1 of 4 stars; one submission).

Submission:

Labcorp Genetics (formerly Invitae), Labcorp
Classification: Uncertain significance. Last evaluated: 2021-11-28. Review status: criteria provided, single submitter. Criteria: Invitae Variant Classification Sherloc (09022015). Collection method: clinical testing. Allele origin: germline.
Comment: This sequence change replaces leucine, which is neutral and non-polar, with serine, which is neutral and polar, at codon 1368 of the PRPF8 protein (p.Leu1368Ser). This variant is not present in population databases (gnomAD no frequency). This missense change has been observed in individual(s) with retinitis pigmentosa (Invitae). Algorithms developed to predict the effect of missense changes on protein structure and function are either unavailable or do not agree on the potential impact of this missense change (SIFT: "Deleterious"; PolyPhen-2: "Probably Damaging"; Align-GVGD: "Class C0"). In summary, the available evidence is currently insufficient to determine the role of this variant in disease. Therefore, it has been classified as a Variant of Uncertain Significance.

NM_006445.4(PRPF8):c.4103T>C (p.Leu1368Ser)

Gene: PRPF8 (pre-mRNA processing factor 8; minus strand). Cytogenetic location: 17p13.3.
Variant type: single nucleotide variant.
Coding change: c.4103T>C on transcript NM_006445.4 (MANE Select); coding-DNA position 4103, T replaced by C.
Protein change: p.Leu1368Ser; replaces leucine 1368 with serine.
Molecular consequence: missense variant.
Genome position (GRCh38, 1-based): chr17:1,661,710, A>G on the plus strand (T>C on the coding strand, the complement: PRPF8 is on the minus strand). VCF-style: chr17-1661710-A-G. GRCh37 (hg19) VCF-style: chr17-1565004-A-G.
Other names: short protein forms L1368S.
Identifiers: ClinVar variation 2013819 (VCV002013819.4), dbSNP rs2543734980, ClinGen allele CA397577958.
Genomic context (GRCh38, chr17:1,661,710, plus strand): 5'-TCAGCCCAGACCCGCTGAGAATCAATGAACTCGCTCTCCCATGGCTGTATGTAGCGGTAC[A>G]AGTTGGGAATGAGCTGGTCTTCTTCATGGCTCATTCCTGAACGAAAGTGTGTGATACCTA-3'
Protein context (NP_006436.3, residues 1358-1378): SHEEDQLIPN[Leu1368Ser]YRYIQPWESE